The following is an entry in ClinVar:

NM_182914.3(SYNE2):c.13156C>G (p.Gln4386Glu)

Gene: SYNE2 (spectrin repeat containing nuclear envelope protein 2; plus strand). Cytogenetic location: 14q23.2.
Variant type: single nucleotide variant.
Coding change: c.13156C>G on transcript NM_182914.3 (MANE Select); coding-DNA position 13156, C replaced by G.
Protein change: p.Gln4386Glu; replaces glutamine 4386 with glutamic acid.
Molecular consequence: missense variant.
Genome position (GRCh38, 1-based): chr14:64,121,059, C>G. VCF-style: chr14-64121059-C-G. GRCh37 (hg19) VCF-style: chr14-64587777-C-G.
Other names: c.13156C>G, p.Gln4386Glu (NM_015180.6); short protein forms Q4386E.
Identifiers: ClinVar variation 313584 (VCV000313584.48), dbSNP rs140277551, ClinGen allele CA7222351.

ClinVar aggregate classification (germline): Conflicting classifications of pathogenicity. Review status: criteria provided, conflicting classifications (1 of 4 stars). 4 submissions from 4 submitters: Uncertain significance (1); Benign (1); Likely benign (2). Last evaluated 2026-09-01.

Conditions:
Emery-Dreifuss muscular dystrophy 5, autosomal dominant (EDMD5). Also called: EMERY-DREIFUSS MUSCULAR DYSTROPHY 5. Identifiers: Orphanet 261, MedGen C2751805, MONDO:0013072, OMIM 612999.

Allele frequency attached by ClinVar (database versions not stated): gnomAD 0.00034 and 0.00036; ExAC 0.00035; gnomAD exomes 0.00036 and 0.00038; TOPMed 0.00042; ESP Exome Variant Server 0.00069.
gnomAD v4.1: 582 of 1,613,870 alleles (0.036%); highest among the groups gnomAD compares: Non-Finnish European, 0.043%; no homozygotes.

Submissions (4):

CeGaT Center for Human Genetics Tuebingen
Classification: Likely benign. Last evaluated: 2026-09-01. Review status: criteria provided, single submitter. Criteria: CeGaT Center For Human Genetics Tuebingen Variant Classification Criteria Version 2. Collection method: clinical testing. Allele origin: germline. Affected: yes. Observed: 3 variant alleles.
Comment: SYNE2: BP4, BS1

Labcorp Genetics (formerly Invitae), Labcorp
Classification: Likely benign for Emery-Dreifuss muscular dystrophy 5, autosomal dominant. Last evaluated: 2025-11-19. Review status: criteria provided, single submitter. Criteria: Invitae Variant Classification Sherloc (09022015). Collection method: clinical testing. Allele origin: germline.

Revvity Omics, Revvity
Classification: Uncertain significance for Emery-Dreifuss muscular dystrophy 5, autosomal dominant. Last evaluated: 2025-06-19. Review status: criteria provided, single submitter. Criteria: ACMG Guidelines, 2015. Collection method: clinical testing. Allele origin: germline.

Illumina Laboratory Services, Illumina
Classification: Benign for Emery-Dreifuss muscular dystrophy 5, autosomal dominant. Last evaluated: 2018-01-13. Review status: criteria provided, single submitter. Criteria: ICSL Variant Classification Criteria 13 December 2019. Collection method: clinical testing. Allele origin: germline.
Comment: This variant was observed in the ICSL laboratory as part of a predisposition screen in an ostensibly healthy population. It had not been previously curated by ICSL or reported in the Human Gene Mutation Database (HGMD: prior to June 1st, 2018), and was therefore a candidate for classification through an automated scoring system. Utilizing variant allele frequency, disease prevalence and penetrance estimates, and inheritance mode, an automated score was calculated to assess if this variant is too frequent to cause the disease. Based on the score and internal cut-off values, a variant classified as benign is not then subjected to further curation. The score for this variant resulted in a classification of benign for this disease.